The following is an entry in ClinVar:

ClinVar aggregate classification (germline): Uncertain significance (1 of 4 stars; one submission).

Conditions:
Inborn genetic diseases. Identifiers: MedGen C0950123, MeSH D030342.

Submission:

Ambry Genetics
Classification: Uncertain significance for Inborn genetic diseases. Last evaluated: 2026-06-16. Review status: criteria provided, single submitter. Criteria: Ambry Variant Classification Scheme 2023. Collection method: clinical testing. Allele origin: germline.
Comment: The p.H224P variant (also known as c.671A>C), located in coding exon 5 of the ETV6 gene, results from an A to C substitution at nucleotide position 671. The histidine at codon 224 is replaced by proline, an amino acid with similar properties. This amino acid position is conserved. In addition, this alteration is predicted to be tolerated by in silico analysis. Based on the available evidence, the clinical significance of this variant remains unclear.

NM_001987.5(ETV6):c.671A>C (p.His224Pro)

Gene: ETV6 (ETS variant transcription factor 6; plus strand). Cytogenetic location: 12p13.2.
Variant type: single nucleotide variant.
Coding change: c.671A>C on transcript NM_001987.5 (MANE Select); coding-DNA position 671, A replaced by C.
Protein change: p.His224Pro; replaces histidine 224 with proline.
Molecular consequence: missense variant.
Genome position (GRCh38, 1-based): chr12:11,869,631, A>C. VCF-style: chr12-11869631-A-C. GRCh37 (hg19) VCF-style: chr12-12022565-A-C.
Other names: c.668A>C, p.His223Pro (NM_001413913.1); c.644A>C, p.His215Pro (NM_001413914.1); c.407A>C, p.His136Pro (NM_001413915.1); c.671A>C, p.His224Pro (NM_001413916.1, NM_001413917.1); short protein forms H136P, H215P, H223P, H224P.
Identifiers: ClinVar variation 5036143 (VCV005036143.1).